The following is an entry in ClinVar:

ClinVar aggregate classification (germline): Likely pathogenic (0 of 4 stars; one submission).

Conditions:
ARID1B-Related Disorder. Identifiers: MedGen CN381337.

Submission:

PreventionGenetics, part of Exact Sciences
Classification: Likely pathogenic for ARID1B-related condition. Last evaluated: 2024-02-29. Review status: no assertion criteria provided. Collection method: clinical testing. Allele origin: germline.
Comment: The ARID1B c.5048delT variant is predicted to result in premature protein termination (p.Leu1683*). This variant has been reported as having arisen de novo in a patient with prenatal features of agenesis of the corpus callosum and abnormality of the helix and diagnosed with Coffin-Siris syndrome (described as c.2918delT, Marangoni. 2022. PubMed ID: 34906519). This variant has not been reported in a large population database, indicating this variant is rare. Nonsense variants in ARID1B are expected to be pathogenic. This variant is interpreted as likely pathogenic.

NM_001374828.1(ARID1B):c.5417del (p.Leu1805_Leu1806insTer)

Gene: ARID1B (AT-rich interaction domain 1B; plus strand). Cytogenetic location: 6q25.3.
Variant type: Deletion.
Coding change: c.5417del on transcript NM_001374828.1 (MANE Select); coding-DNA position 5417, one base deleted (T; older notation c.5417delT).
Protein change: p.Leu1805_Leu1806insTer.
Molecular consequence: nonsense. On other transcripts: frameshift variant (3).
Genome position (GRCh38, 1-based): chr6:157,206,189, T deleted; the last of 4 consecutive T bases (chr6:157,206,186-157,206,189); deleting any one gives the same sequence. VCF-style (leftmost placement, unchanged base first): chr6-157206185-CT-C. GRCh37 (hg19) VCF-style: chr6-157527319-CT-C.
Other names: c.5168delT, p.Leu1723Terfs (NM_001346813.1); c.2918del, p.Leu972_Leu973insTer (NM_001363725.2); c.5297del, p.Leu1765_Leu1766insTer (NM_001371656.1, NM_001374820.1); c.5258del, p.Leu1752_Leu1753insTer (NM_017519.3); c.5048delT, p.Leu1683Terfs (NM_020732.3); c.4835delT, p.Leu1612Terfs (NM_175863.2).
Identifiers: ClinVar variation 2631300 (VCV002631300.3), dbSNP rs2538755076, ClinGen allele CA2695198383.